The following is an entry in ClinVar:

NM_080424.4(SP110):c.1067C>T (p.Ser356Leu)

Genes: SP110 (SP110 nuclear body protein; minus strand), SP140 (SP140 nuclear body protein; plus strand). Cytogenetic location: 2q37.1.
Variant type: single nucleotide variant.
Coding change: c.1067C>T on transcript NM_080424.4 (MANE Select); coding-DNA position 1067, C replaced by T.
Protein change: p.Ser356Leu; replaces serine 356 with leucine.
Molecular consequence: missense variant.
Genome position (GRCh38, 1-based): chr2:230,200,947, G>A on the plus strand (C>T on the coding strand, the complement: SP110 is on the minus strand). VCF-style: chr2-230200947-G-A. GRCh37 (hg19) VCF-style: chr2-231065663-G-A.
Other names: c.1085C>T, p.Ser362Leu (NM_001185015.2, NM_001378442.1, NM_001378444.1 and 2 more transcripts); c.1067C>T, p.Ser356Leu (NM_001378443.1, NM_004509.5, NM_004510.4); c.917C>T, p.Ser306Leu (NM_001378447.1); short protein forms S356L, S362L, S306L.
Identifiers: ClinVar variation 1357677 (VCV001357677.8), dbSNP rs775810248, ClinGen allele CA2154633.

ClinVar aggregate classification (germline): Uncertain significance (1 of 4 stars; one submission).

Conditions:
Hepatic veno-occlusive disease-immunodeficiency syndrome. Also called: Hepatic Veno-Occlusive Disease with Immunodeficiency. Identifiers: Orphanet 79124, MedGen C1856128, MONDO:0009338, OMIM 235550. Disease mechanism: loss of function.

Allele frequency attached by ClinVar (database versions not stated): gnomAD exomes below 0.00001 and 0.00001; gnomAD 0.00001; TOPMed 0.00001; ExAC 0.00002.
gnomAD v4.1: 3 of 1,613,330 alleles (0.00019%); highest among the groups gnomAD compares: Admixed American, 0.0017%; no homozygotes.

Submission:

Labcorp Genetics (formerly Invitae), Labcorp
Classification: Uncertain significance for Hepatic veno-occlusive disease-immunodeficiency syndrome. Last evaluated: 2021-05-31. Review status: criteria provided, single submitter. Criteria: Invitae Variant Classification Sherloc (09022015). Collection method: clinical testing. Allele origin: germline.
Comment: This variant is present in population databases (rs775810248, ExAC 0.009%). This variant has not been reported in the literature in individuals with SP110-related conditions. In summary, the available evidence is currently insufficient to determine the role of this variant in disease. Therefore, it has been classified as a Variant of Uncertain Significance. Algorithms developed to predict the effect of missense changes on protein structure and function are either unavailable or do not agree on the potential impact of this missense change (SIFT: "Deleterious"; PolyPhen-2: "Possibly Damaging"; Align-GVGD: "Class C0"). This sequence change replaces serine with leucine at codon 356 of the SP110 protein (p.Ser356Leu). The serine residue is weakly conserved and there is a large physicochemical difference between serine and leucine.